The following is an entry in ClinVar:

ClinVar aggregate classification (germline): Uncertain significance (1 of 4 stars; one submission).

Conditions:
Cardiovascular phenotype. Identifiers: MedGen CN230736.

gnomAD v4.1: 1 of 1,611,038 alleles (0.000062%); highest among the groups gnomAD compares: Non-Finnish European, 0.000085%; no homozygotes.

Submission:

Ambry Genetics
Classification: Uncertain significance for Cardiovascular phenotype. Last evaluated: 2024-07-07. Review status: criteria provided, single submitter. Criteria: Ambry Variant Classification Scheme 2023. Collection method: clinical testing. Allele origin: germline.
Comment: The p.G105S variant (also known as c.313G>A), located in coding exon 3 of the TECRL gene, results from a G to A substitution at nucleotide position 313. The glycine at codon 105 is replaced by serine, an amino acid with similar properties. This amino acid position is conserved. In addition, this alteration is predicted to be tolerated by in silico analysis. Based on the available evidence, the clinical significance of this variant remains unclear.

NM_001010874.5(TECRL):c.313G>A (p.Gly105Ser)

Gene: TECRL (trans-2,3-enoyl-CoA reductase like; minus strand). Cytogenetic location: 4q13.1.
Variant type: single nucleotide variant.
Coding change: c.313G>A on transcript NM_001010874.5 (MANE Select); coding-DNA position 313, G replaced by A.
Protein change: p.Gly105Ser; replaces glycine 105 with serine.
Molecular consequence: missense variant.
Genome position (GRCh38, 1-based): chr4:64,328,530, C>T on the plus strand (G>A on the coding strand, the complement: TECRL is on the minus strand). VCF-style: chr4-64328530-C-T. GRCh37 (hg19) VCF-style: chr4-65194248-C-T.
Other names: c.313G>A, p.Gly105Ser (NM_001363796.1); short protein forms G105S.
Identifiers: ClinVar variation 3454625 (VCV003454625.1).